The following is an entry in ClinVar:

NM_000138.5(FBN1):c.3425C>G (p.Pro1142Arg)

Gene: FBN1 (fibrillin 1; minus strand). Cytogenetic location: 15q21.1.
Variant type: single nucleotide variant.
Coding change: c.3425C>G on transcript NM_000138.5 (MANE Select); coding-DNA position 3425, C replaced by G.
Protein change: p.Pro1142Arg; replaces proline 1142 with arginine.
Molecular consequence: missense variant.
Genome position (GRCh38, 1-based): chr15:48,487,350, G>C on the plus strand (C>G on the coding strand, the complement: FBN1 is on the minus strand). VCF-style: chr15-48487350-G-C. GRCh37 (hg19) VCF-style: chr15-48779547-G-C.
Other names: short protein forms P1142R.
Identifiers: ClinVar variation 927077 (VCV000927077.8), dbSNP rs2043517357, ClinGen allele CA392326330.

ClinVar aggregate classification (germline): Uncertain significance. Review status: criteria provided, multiple submitters, no conflicts (2 of 4 stars). 3 submissions from 3 submitters: Uncertain significance (3). Last evaluated 2024-08-11.

Conditions:
Familial thoracic aortic aneurysm and aortic dissection (TAAD). Also called: Thoracic aortic aneurysms and dissections. Identifiers: Orphanet 91387, MedGen C4707243, MONDO:0019625.
Marfan syndrome (MFS). Also called: Marfan syndrome, classic; Marfan syndrome type 1; Marfan's syndrome; FBN1-Related Marfan Syndrome; MARFAN SYNDROME, TYPE I. Identifiers: Orphanet 284963, Orphanet 558, MedGen C0024796, MONDO:0007947, OMIM 154700.

Submissions (3):

Labcorp Genetics (formerly Invitae), Labcorp
Classification: Uncertain significance for Marfan syndrome; Familial thoracic aortic aneurysm and aortic dissection. Last evaluated: 2024-08-11. Review status: criteria provided, single submitter. Criteria: Invitae Variant Classification Sherloc (09022015). Collection method: clinical testing. Allele origin: germline.
Comment: This sequence change replaces proline, which is neutral and non-polar, with arginine, which is basic and polar, at codon 1142 of the FBN1 protein (p.Pro1142Arg). This variant is not present in population databases (gnomAD no frequency). This variant has not been reported in the literature in individuals affected with FBN1-related conditions. ClinVar contains an entry for this variant (Variation ID: 927077). Advanced modeling of protein sequence and biophysical properties (such as structural, functional, and spatial information, amino acid conservation, physicochemical variation, residue mobility, and thermodynamic stability) performed at Invitae indicates that this missense variant is not expected to disrupt FBN1 protein function with a negative predictive value of 95%. In summary, the available evidence is currently insufficient to determine the role of this variant in disease. Therefore, it has been classified as a Variant of Uncertain Significance.

Color Diagnostics, LLC DBA Color Health
Classification: Uncertain significance for Familial thoracic aortic aneurysm and aortic dissection. Last evaluated: 2024-03-06. Review status: criteria provided, single submitter. Criteria: ACMG Guidelines, 2015. Collection method: clinical testing. Allele origin: germline.
Comment: This missense variant replaces proline with arginine at codon 1142 of the FBN1 protein. Computational prediction tool suggests that this variant may not impact protein structure and function (internally defined REVEL score threshold <=0.5, PMID: 27666373). Splice site prediction tools suggest that this variant may not impact RNA splicing. To our knowledge, functional studies have not been performed for this variant. This variant has not been reported in individuals affected with cardiovascular disorders in the literature. This variant has not been identified in the general population by the Genome Aggregation Database (gnomAD). The available evidence is insufficient to determine the role of this variant in disease conclusively. Therefore, this variant is classified as a Variant of Uncertain Significance.

GeneDx
Classification: Uncertain significance. Last evaluated: 2023-02-06. Review status: criteria provided, single submitter. Criteria: GeneDx Variant Classification Process June 2021. Collection method: clinical testing. Allele origin: germline. Affected: yes.
Comment: Has not been previously published as pathogenic or benign to our knowledge; Not observed at significant frequency in large population cohorts (gnomAD); Although located in a calcium-binding EGF-like domain of the FBN1 gene, it does not affect a cysteine residue within this domain; cysteine substitutions in the calcium-binding EGF-like domains represent the majority of pathogenic missense changes associated with FBN1-related disorders (Collod-Beroud et al., 2003); In silico analysis supports that this missense variant has a deleterious effect on protein structure/function; This variant is associated with the following publications: (PMID: 12938084)